The following is an entry in ClinVar:

NM_001379110.1(SLC9A6):c.1768-9T>G

Gene: SLC9A6 (solute carrier family 9 member A6; plus strand). Cytogenetic location: Xq26.3.
Variant type: single nucleotide variant.
Coding change: c.1768-9T>G on transcript NM_001379110.1 (MANE Select); 9 bases into the intron before coding-DNA position 1768, T replaced by G.
Molecular consequence: intron variant.
Genome position (GRCh38, 1-based): chrX:136,044,443, T>G. VCF-style: chrX-136044443-T-G. GRCh37 (hg19) VCF-style: chrX-135126602-T-G.
Other names: c.1678-9T>G (NM_001400909.1, NM_001400910.1, NM_001400911.1 and 2 more transcripts); c.1834-9T>G (NM_001042537.2); c.1738-9T>G (NM_006359.3); c.1582-9T>G (NM_001400913.1, NM_001330652.2).
Identifiers: ClinVar variation 1699668 (VCV001699668.2), dbSNP rs2148216706, ClinGen allele CA2580101560.

ClinVar aggregate classification (germline): Uncertain significance (1 of 4 stars; one submission).

Submission:

GeneDx
Classification: Uncertain significance. Last evaluated: 2022-02-01. Review status: criteria provided, single submitter. Criteria: GeneDx Variant Classification Process June 2021. Collection method: clinical testing. Allele origin: germline. Affected: yes.
Comment: Not observed at significant frequency in large population cohorts (gnomAD); In silico analysis supports that this variant does not alter splicing; Has not been previously published as pathogenic or benign to our knowledge